The following is an entry in ClinVar:

ClinVar aggregate classification (germline): Uncertain significance (1 of 4 stars; one submission).

Conditions:
Cohen syndrome (COH1). Also called: Cutis verticis gyrata, retinitis pigmentosa, and sensorineural deafness; PEPPER SYNDROME. Identifiers: Orphanet 193, MedGen C0265223, MONDO:0008999, OMIM 216550.

Allele frequency attached by ClinVar (database versions not stated): gnomAD exomes below 0.00001.
gnomAD v4.1: 1 of 1,613,714 alleles (0.000062%); highest among the groups gnomAD compares: Admixed American, 0.0017%; no homozygotes.

Submission:

Labcorp Genetics (formerly Invitae), Labcorp
Classification: Uncertain significance for Cohen syndrome. Last evaluated: 2022-06-27. Review status: criteria provided, single submitter. Criteria: Invitae Variant Classification Sherloc (09022015). Collection method: clinical testing. Allele origin: germline.
Comment: This sequence change falls in intron 21 of the VPS13B gene. It does not directly change the encoded amino acid sequence of the VPS13B protein. This variant is present in population databases (no rsID available, gnomAD 0.003%). In summary, the available evidence is currently insufficient to determine the role of this variant in disease. Therefore, it has been classified as a Variant of Uncertain Significance. Algorithms developed to predict the effect of sequence changes on RNA splicing suggest that this variant may create or strengthen a splice site. This variant has not been reported in the literature in individuals affected with VPS13B-related conditions.

NM_152564.5(VPS13B):c.3082+11A>G

Gene: VPS13B (vacuolar protein sorting 13 homolog B; plus strand). Cytogenetic location: 8q22.2.
Variant type: single nucleotide variant.
Coding change: c.3082+11A>G on transcript NM_152564.5 (MANE Select); 11 bases into the intron after coding-DNA position 3082, A replaced by G.
Molecular consequence: intron variant.
Genome position (GRCh38, 1-based): chr8:99,391,715, A>G. VCF-style: chr8-99391715-A-G. GRCh37 (hg19) VCF-style: chr8-100403943-A-G.
Other names: c.3082+11A>G (NM_017890.5).
Identifiers: ClinVar variation 2199443 (VCV002199443.4), dbSNP rs1439544672, ClinGen allele CA583864015.